The following is an entry in ClinVar:

ClinVar aggregate classification (germline): Likely pathogenic (1 of 4 stars; one submission).

Conditions:
Kabuki syndrome. Also called: Kabuki make-up syndrome; NIIKAWA-KUROKI SYNDROME. Identifiers: Orphanet 2322, MedGen C0796004, MONDO:0016512.

Submission:

Labcorp Genetics (formerly Invitae), Labcorp
Classification: Likely pathogenic for Kabuki syndrome. Last evaluated: 2016-10-26. Review status: criteria provided, single submitter. Criteria: Invitae Variant Classification Sherloc (09022015). Collection method: clinical testing. Allele origin: germline.
Comment: In summary, donor and acceptor splice site variants are typically loss-of-function (PMID: 16199547), and loss-of-function variants in KMT2D are known to be pathogenic (PMID: 24633898). However, without additional functional and/or genetic data, this variant has been classified as Likely Pathogenic. This sequence change affects an acceptor splice site in intron 14 of the KMT2D gene. It is expected to disrupt RNA splicing and likely results in an absent or disrupted protein product. This variant has not been reported in the literature in individuals with a KMT2D-related disease.

Literature cited by the submitters: PubMed 16199547; PubMed 24633898.

NM_003482.4(KMT2D):c.4237-2A>G

Gene: KMT2D (lysine methyltransferase 2D; minus strand). Cytogenetic location: 12q13.12.
Variant type: single nucleotide variant.
Coding change: c.4237-2A>G on transcript NM_003482.4 (MANE Select); the canonical splice acceptor site of the intron before coding-DNA position 4237, A replaced by G.
Molecular consequence: splice acceptor variant.
Genome position (GRCh38, 1-based): chr12:49,046,792, T>C on the plus strand (A>G on the coding strand, the complement: KMT2D is on the minus strand). VCF-style: chr12-49046792-T-C. GRCh37 (hg19) VCF-style: chr12-49440575-T-C.
Identifiers: ClinVar variation 463016 (VCV000463016.7), dbSNP rs797045001, ClinGen allele CA384647697.